The following is an entry in ClinVar:

NM_000168.6(GLI3):c.4621_4625dup (p.Ala1543fs)

Gene: GLI3 (GLI family zinc finger 3; minus strand). Cytogenetic location: 7p14.1.
Variant type: Duplication.
Coding change: c.4621_4625dup on transcript NM_000168.6 (MANE Select); coding-DNA positions 4621 to 4625, 5 bases duplicated (CCTCG; older notation c.4621_4625dupCCTCG).
Protein change: p.Ala1543fs; shifts the reading frame from alanine 1543.
Molecular consequence: frameshift variant.
Genome position (GRCh38, 1-based): chr7:41,964,448-41,964,452, CGAGG duplicated on the plus strand (CCTCG on the coding strand, the reverse complement: GLI3 is on the minus strand); duplicating any 5 consecutive bases within chr7:41,964,448-41,964,454 gives the same sequence; the c. name uses the placement nearest the transcript's 3' end. VCF-style (leftmost placement, unchanged base first): chr7-41964447-C-CCGAGG. GRCh37 (hg19) VCF-style: chr7-42004045-C-CCGAGG.
Other names: short protein forms A1543fs.
Identifiers: ClinVar variation 2631002 (VCV002631002.3), dbSNP rs2484361638, ClinGen allele CA2695198478.
Genomic context (GRCh38, chr7:41,964,447, plus strand): 5'-CATGTCCCCGATAGCCATGTTGGTGGTGCTCATGGACAGCGCTGGGAATGGGAGGGACGC[C>CCGAGG]CGAGGCGTGGTGAGGCGGGAGGAGCTATGGGAAAGGTTCTGAATGATACTTGGGCTCAGG-3'

ClinVar aggregate classification (germline): Likely pathogenic (0 of 4 stars; one submission).

Conditions:
GLI3-related disorder. Also called: GLI3-related condition; GLI3-related disorders. Identifiers: MedGen CN239292.

Submission:

PreventionGenetics, part of Exact Sciences
Classification: Likely pathogenic for GLI3-related condition. Last evaluated: 2024-01-30. Review status: no assertion criteria provided. Collection method: clinical testing. Allele origin: germline.
Comment: The GLI3 c.4621_4625dup5 variant is predicted to result in a frameshift and premature protein termination (p.Ala1543Leufs*12). This variant occurs within the terminal exon of GLI3 and downstream loss of function variants have been documented in patients with GLI3-related disorders (Human Gene Mutation Database). To our knowledge, this variant has not been reported in the literature or in a large population database, indicating this variant is rare. Frameshift variants in GLI3 are expected to be pathogenic. This variant is interpreted as likely pathogenic.